The following is an entry in ClinVar:

ClinVar aggregate classification (germline): Uncertain significance. Review status: criteria provided, multiple submitters, no conflicts (2 of 4 stars). 2 submissions from 2 submitters: Uncertain significance (2). Last evaluated 2025-08-31.

Conditions:
Early-infantile DEE. Also called: Early infantile epileptic encephalopathy; Early infantile epileptic encephalopathy with suppression bursts; Ohtahara syndrome. Identifiers: Orphanet 1934, MedGen C0393706, MONDO:0800491.

Allele frequency attached by ClinVar (database versions not stated): gnomAD exomes below 0.00001; ExAC 0.00001; gnomAD 0.00001; TOPMed 0.00001.
gnomAD v4.1: 4 of 1,596,908 alleles (0.00025%); highest among the groups gnomAD compares: Non-Finnish European, 0.00034%; no homozygotes.

Submissions (2):

GeneDx
Classification: Uncertain significance. Last evaluated: 2025-08-31. Review status: criteria provided, single submitter. Criteria: GeneDx Variant Classification Process June 2021. Collection method: clinical testing. Allele origin: germline.
Comment: In silico analysis supports that this missense variant has a deleterious effect on protein structure/function; This substitution is predicted to be within the C-terminal cytoplasmic domain; Has not been previously published as pathogenic or benign to our knowledge

Labcorp Genetics (formerly Invitae), Labcorp
Classification: Uncertain significance for Early-infantile DEE. Last evaluated: 2024-07-03. Review status: criteria provided, single submitter. Criteria: Invitae Variant Classification Sherloc (09022015). Collection method: clinical testing. Allele origin: germline.
Comment: This sequence change replaces arginine, which is basic and polar, with tryptophan, which is neutral and slightly polar, at codon 647 of the KCNQ2 protein (p.Arg647Trp). This variant is present in population databases (rs773450069, gnomAD 0.003%). This missense change has been observed in individual(s) with clinical features of developmental and epileptic encephalopathy (Invitae). ClinVar contains an entry for this variant (Variation ID: 579920). An algorithm developed to predict the effect of missense changes on protein structure and function (PolyPhen-2) suggests that this variant is likely to be disruptive. In summary, the available evidence is currently insufficient to determine the role of this variant in disease. Therefore, it has been classified as a Variant of Uncertain Significance.

NM_172107.4(KCNQ2):c.1939C>T (p.Arg647Trp)

Gene: KCNQ2 (potassium voltage-gated channel subfamily Q member 2; minus strand). Cytogenetic location: 20q13.33.
Variant type: single nucleotide variant.
Coding change: c.1939C>T on transcript NM_172107.4 (MANE Select); coding-DNA position 1939, C replaced by T.
Protein change: p.Arg647Trp; replaces arginine 647 with tryptophan.
Molecular consequence: missense variant.
Genome position (GRCh38, 1-based): chr20:63,407,324, G>A on the plus strand (C>T on the coding strand, the complement: KCNQ2 is on the minus strand). VCF-style: chr20-63407324-G-A. GRCh37 (hg19) VCF-style: chr20-62038677-G-A.
Other names: c.1846C>T, p.Arg616Trp (NM_172108.5); c.1885C>T, p.Arg629Trp (NM_172106.3); c.1855C>T, p.Arg619Trp (NM_004518.6); short protein forms R647W, R619W, R616W, R629W.
Identifiers: ClinVar variation 579920 (VCV000579920.11), dbSNP rs773450069, ClinGen allele CA9958195.
Genomic context (GRCh38, chr20:63,407,324, plus strand): 5'-CCGGCTCCGGCTCTTTGGCCCCAAAGTAGGCCTCGGTCTCTGTCGGGGGGATGCCCATCC[G>A]CTGCATGTAGATATTCACCAGGAAGTCCAGCTTCTTCTCCATGGACAAGACCTGCAAAAG-3'
Protein context (NP_742105.1, residues 637-657): LDFLVNIYMQ[Arg647Trp]MGIPPTETEA